The following is an entry in ClinVar:

ClinVar aggregate classification (germline): Benign/Likely benign. Review status: criteria provided, multiple submitters, no conflicts (2 of 4 stars). 2 submissions from 2 submitters: Benign (1); Likely benign (1). Last evaluated 2026-05-15.

Conditions:
ASXL1-related disorder. Also called: ASXL1-related condition; ASXL1-related disorders.

Allele frequency attached by ClinVar (database versions not stated): gnomAD exomes 0.00001; ExAC 0.00004; TOPMed 0.00009; gnomAD 0.00010.
gnomAD v4.1: 37 of 1,608,426 alleles (0.0023%); highest among the groups gnomAD compares: African/African-American, 0.037%; no homozygotes.

Submissions (2):

PreventionGenetics, part of Exact Sciences
Classification: Likely benign for ASXL1-related condition. Last evaluated: 2026-05-15. Review status: criteria provided, single submitter. Criteria: ACMG Guidelines, 2015. Collection method: clinical testing. Allele origin: germline.
Comment: This variant is classified as likely benign based on ACMG/AMP sequence variant interpretation guidelines (Richards et al. 2015 PMID: 25741868, with internal and published modifications).

Labcorp Genetics (formerly Invitae), Labcorp
Classification: Benign. Last evaluated: 2025-03-20. Review status: criteria provided, single submitter. Criteria: Invitae Variant Classification Sherloc (09022015). Collection method: clinical testing. Allele origin: germline.

NM_015338.6(ASXL1):c.605C>T (p.Pro202Leu)

Gene: ASXL1 (ASXL transcriptional regulator 1; plus strand). Cytogenetic location: 20q11.21.
Variant type: single nucleotide variant.
Coding change: c.605C>T on transcript NM_015338.6 (MANE Select); coding-DNA position 605, C replaced by T.
Protein change: p.Pro202Leu; replaces proline 202 with leucine.
Molecular consequence: missense variant. On other transcripts: intron variant (1).
Genome position (GRCh38, 1-based): chr20:32,429,940, C>T. VCF-style: chr20-32429940-C-T. GRCh37 (hg19) VCF-style: chr20-31017743-C-T.
Other names: c.535+509C>T (NM_001363734.1); short protein forms P202L.
Identifiers: ClinVar variation 2083660 (VCV002083660.5), dbSNP rs750262296, ClinGen allele CA9808153.
Genomic context (GRCh38, chr20:32,429,940, plus strand): 5'-AGTGGAATGCTGTGCCTTCAGGGTTCTCGGGCTGCCACGCCGATGGCGAGAGCGGCAGCC[C>T]GTCCAGCAGCAGCAGCGGCTCTCTGGCCCTGGGCAGCGCTGCTATTCGTGGCCAGGCCGA-3'
Protein context (NP_056153.2, residues 192-212): GCHADGESGS[Pro202Leu]SSSSSGSLAL